The following is an entry in ClinVar:

NM_014704.4(CEP104):c.48del (p.Asp17fs)

Gene: CEP104 (centrosomal protein 104; minus strand). Cytogenetic location: 1p36.32.
Variant type: Deletion.
Coding change: c.48del on transcript NM_014704.4 (MANE Select); coding-DNA position 48, one base deleted (A; older notation c.48delA).
Protein change: p.Asp17fs; shifts the reading frame from aspartic acid 17.
Molecular consequence: frameshift variant.
Genome position (GRCh38, 1-based): chr1:3,852,360, T deleted on the plus strand (A on the coding strand, the reverse complement: CEP104 is on the minus strand); the first of 2 consecutive T bases (chr1:3,852,360-3,852,361); deleting either gives the same sequence. VCF-style (leftmost placement, unchanged base first): chr1-3852359-CT-C. GRCh37 (hg19) VCF-style: chr1-3768923-CT-C.
Other names: short protein forms D17fs.
Identifiers: ClinVar variation 3360460 (VCV003360460.1).

ClinVar aggregate classification (germline): Pathogenic (1 of 4 stars; one submission).

Submission:

GeneDx
Classification: Pathogenic. Last evaluated: 2024-02-25. Review status: criteria provided, single submitter. Criteria: GeneDx Variant Classification Process June 2021. Collection method: clinical testing. Allele origin: germline. Affected: yes.
Comment: Frameshift variant predicted to result in protein truncation or nonsense mediated decay in a gene for which loss of function is a known mechanism of disease; Not observed at significant frequency in large population cohorts (gnomAD); Has not been previously published as pathogenic or benign to our knowledge